The following is an entry in ClinVar:

ClinVar aggregate classification (germline): Uncertain significance (1 of 4 stars; one submission).

Conditions:
SIM1-related disorder. Also called: SIM1-related disorders; SIM1-related condition.

Submission:

PreventionGenetics, part of Exact Sciences
Classification: Uncertain significance for SIM1-related condition. Last evaluated: 2025-09-03. Review status: criteria provided, single submitter. Criteria: ACMG Guidelines, 2015. Collection method: clinical testing. Allele origin: germline.
Comment: The SIM1 c.1838C>A variant is predicted to result in the amino acid substitution p.Pro613Gln. To our knowledge, this variant has not been reported in the literature or in a large population database (gnomAD), indicating this variant is rare. At this time, the clinical significance of this variant is uncertain due to the absence of conclusive functional and genetic evidence.

NM_005068.3(SIM1):c.1838C>A (p.Pro613Gln)

Gene: SIM1 (SIM bHLH transcription factor 1; minus strand). Cytogenetic location: 6q16.3.
Variant type: single nucleotide variant.
Coding change: c.1838C>A on transcript NM_005068.3 (MANE Select); coding-DNA position 1838, C replaced by A.
Protein change: p.Pro613Gln; replaces proline 613 with glutamine.
Molecular consequence: missense variant.
Genome position (GRCh38, 1-based): chr6:100,390,824, G>T on the plus strand (C>A on the coding strand, the complement: SIM1 is on the minus strand). VCF-style: chr6-100390824-G-T. GRCh37 (hg19) VCF-style: chr6-100838700-G-T.
Other names: c.1838C>A, p.Pro613Gln (NM_001374769.1); short protein forms P613Q.
Identifiers: ClinVar variation 4992234 (VCV004992234.1).